The following is an entry in ClinVar:

ClinVar aggregate classification (germline): Uncertain significance (1 of 4 stars; one submission).

Submission:

Labcorp Genetics (formerly Invitae), Labcorp
Classification: Uncertain significance. Last evaluated: 2022-07-23. Review status: criteria provided, single submitter. Criteria: Invitae Variant Classification Sherloc (09022015). Collection method: clinical testing. Allele origin: germline.
Comment: This sequence change falls in intron 7 of the MTHFD1 gene. It does not directly change the encoded amino acid sequence of the MTHFD1 protein. It affects a nucleotide within the consensus splice site. In summary, the available evidence is currently insufficient to determine the role of this variant in disease. Therefore, it has been classified as a Variant of Uncertain Significance. Variants that disrupt the consensus splice site are a relatively common cause of aberrant splicing (PMID: 17576681, 9536098). Algorithms developed to predict the effect of sequence changes on RNA splicing suggest that this variant may create or strengthen a splice site. This variant has not been reported in the literature in individuals affected with MTHFD1-related conditions. This variant is not present in population databases (gnomAD no frequency).

Literature cited by the submitters: PubMed 17576681; PubMed 9536098.

NM_005956.4(MTHFD1):c.615+5G>A

Gene: MTHFD1 (methylenetetrahydrofolate dehydrogenase, cyclohydrolase and formyltetrahydrofolate synthetase 1; plus strand). Cytogenetic location: 14q23.3.
Variant type: single nucleotide variant.
Coding change: c.615+5G>A on transcript NM_005956.4 (MANE Select); 5 bases into the intron after coding-DNA position 615, G replaced by A.
Molecular consequence: intron variant.
Genome position (GRCh38, 1-based): chr14:64,418,029, G>A. VCF-style: chr14-64418029-G-A. GRCh37 (hg19) VCF-style: chr14-64884747-G-A.
Other names: c.615+5G>A (NM_001364837.1).
Identifiers: ClinVar variation 1903714 (VCV001903714.5), dbSNP rs1184072675, ClinGen allele CA707697618.